The following is an entry in ClinVar:

ClinVar aggregate classification (germline): Pathogenic (1 of 4 stars; one submission).

Conditions:
Alport syndrome. Also called: Hemorrhagic familial nephritis; Hemorrhagic hereditary nephritis; Congenital hereditary hematuria. Identifiers: Orphanet 63, MedGen C1567741, MONDO:0018965.

Submission:

Myriad Genetics, Inc.
Classification: Pathogenic for Alport syndrome. Last evaluated: 2025-01-26. Review status: criteria provided, single submitter. Criteria: Myriad Autosomal Dominant, Autosomal Recessive and X-Linked Classification Criteria (2023). Collection method: clinical testing. Allele origin: unknown.
Comment: NM_000091.4(COL4A3):c.2081delC(P694Qfs*53) is expected to be pathogenic in the context of Alport syndrome, COL4A3-related. This variant is predicted to lead to an abnormal or absent protein product due to the creation of a premature termination codon in COL4A3, a gene where loss-of-function variants are known to be pathogenic. Please note: this variant was assessed in the context of healthy population screening.

NM_000091.5(COL4A3):c.2081del (p.Pro694fs)

Genes: MFF-DT (MFF divergent transcript; minus strand), COL4A3 (collagen type IV alpha 3 chain; plus strand). Cytogenetic location: 2q36.3.
Variant type: Deletion.
Coding change: c.2081del on transcript NM_000091.5 (MANE Select); coding-DNA position 2081, one base deleted (C; older notation c.2081delC).
Protein change: p.Pro694fs; shifts the reading frame from proline 694.
Molecular consequence: frameshift variant.
Genome position (GRCh38, 1-based): chr2:227,277,509, C deleted; the last of 2 consecutive C bases (chr2:227,277,508-227,277,509); deleting either gives the same sequence. VCF-style (leftmost placement, unchanged base first): chr2-227277507-AC-A. GRCh37 (hg19) VCF-style: chr2-228142223-AC-A.
Other names: short protein forms P694fs.
Identifiers: ClinVar variation 5014020 (VCV005014020.1).
Genomic context (GRCh38, chr2:227,277,507, plus strand): 5'-AGGTATCCCTGGATCCCTGGGGAAATGTGGAGATCCTGGTCTTCCAGGGCCTGATGGTGA[AC>A]CAGGAATTCCAGGAATTGGATTTCCTGGGCCTCCTGGACCTAAGGGTAAATTTAAAATTT-3'